The following is an entry in ClinVar:

NM_030777.4(SLC2A10):c.851C>A (p.Thr284Asn)

Gene: SLC2A10 (solute carrier family 2 member 10; plus strand). Cytogenetic location: 20q13.12.
Variant type: single nucleotide variant.
Coding change: c.851C>A on transcript NM_030777.4 (MANE Select); coding-DNA position 851, C replaced by A.
Protein change: p.Thr284Asn; replaces threonine 284 with asparagine.
Molecular consequence: missense variant.
Genome position (GRCh38, 1-based): chr20:46,725,887, C>A. VCF-style: chr20-46725887-C-A. GRCh37 (hg19) VCF-style: chr20-45354526-C-A.
Other names: short protein forms T284N.
Identifiers: ClinVar variation 1699246 (VCV001699246.6), dbSNP rs765689972, ClinGen allele CA9892056.

ClinVar aggregate classification (germline): Uncertain significance. Review status: criteria provided, multiple submitters, no conflicts (2 of 4 stars). 2 submissions from 2 submitters: Uncertain significance (2). Last evaluated 2023-06-30.

Conditions:
Arterial tortuosity syndrome (ATORS). Identifiers: Orphanet 3342, MedGen C1859726, MONDO:0008818, OMIM 208050.

Allele frequency attached by ClinVar (database versions not stated): TOPMed below 0.00001; ExAC 0.00001.
gnomAD v4.1: 83 of 1,614,212 alleles (0.0051%); highest among the groups gnomAD compares: Non-Finnish European, 0.007%; no homozygotes.

Submissions (2):

Labcorp Genetics (formerly Invitae), Labcorp
Classification: Uncertain significance for Arterial tortuosity syndrome. Last evaluated: 2023-06-30. Review status: criteria provided, single submitter. Criteria: Invitae Variant Classification Sherloc (09022015). Collection method: clinical testing. Allele origin: germline.
Comment: In summary, the available evidence is currently insufficient to determine the role of this variant in disease. Therefore, it has been classified as a Variant of Uncertain Significance. Advanced modeling of protein sequence and biophysical properties (such as structural, functional, and spatial information, amino acid conservation, physicochemical variation, residue mobility, and thermodynamic stability) has been performed at Invitae for this missense variant, however the output from this modeling did not meet the statistical confidence thresholds required to predict the impact of this variant on SLC2A10 protein function. ClinVar contains an entry for this variant (Variation ID: 1699246). This variant has not been reported in the literature in individuals affected with SLC2A10-related conditions. This variant is present in population databases (rs765689972, gnomAD 0.0009%). This sequence change replaces threonine, which is neutral and polar, with asparagine, which is neutral and polar, at codon 284 of the SLC2A10 protein (p.Thr284Asn).

Victorian Clinical Genetics Services, Murdoch Childrens Research Institute
Classification: Uncertain significance for Arterial tortuosity syndrome. Last evaluated: 2022-02-02. Review status: criteria provided, single submitter. Criteria: ACMG Guidelines, 2015. Collection method: clinical testing. Allele origin: germline. Inheritance: Autosomal recessive inheritance.
Comment: Based on the classification scheme VCGS_Germline_v1.3.4, this variant is classified as VUS-3B. Following criteria are met: 0102 - Loss of function is a known mechanism of disease in this gene and is associated with Arterial tortuosity syndrome (MIM#208050). (I) 0106 - This gene is associated with autosomal recessive disease. (I) 0115 - Variants in this gene are known to have variable expressivity. Individuals present with a wide range of clinical phenotypes and intra-familial variability has also been reported (GeneReviews, PMID: 30425910). (I) 0200 - Variant is predicted to result in a missense amino acid change from threonine to asparagine. (I) 0251 - This variant is heterozygous. (I) 0304 - Variant is present in gnomAD <0.01 for a recessive condition (v2: 1 heterozygote, 0 homozygotes). (SP) 0309 - An alternative amino acid change at the same position has been observed in gnomAD (v2: 3 heterozygotes, 0 homozygotes). (I) 0502 - Missense variant with conflicting in silico predictions and uninformative conservation. (I) 0600 - Variant is located in the annotated glucose transporter type 10 domain (NCBI). (I) 0705 - No comparable missense variants have previous evidence for pathogenicity. (I) 0807 - This variant has no previous evidence of pathogenicity. (I) 0905 - No published segregation evidence has been identified for this variant. (I) 1007 - No published functional evidence has been identified for this variant. (I) 1208 - Inheritance information for this variant is not currently available in this individual. (I) Legend: (SP) - Supporting pathogenic, (I) - Information, (SB) - Supporting benign

Literature cited by the submitters: PubMed 30425910 (cited by Victorian Clinical Genetics Services, Murdoch Childrens Research Institute).